The following is an entry in ClinVar:

ClinVar aggregate classification (germline): Pathogenic (1 of 4 stars; one submission).

Conditions:
Sterol carrier protein 2 deficiency. Also called: Leukoencephalopathy with dystonia and motor neuropathy; Leukoencephalopathy, dystonia, motor neuropathy syndrome. Identifiers: Orphanet 163684, MedGen C3150990, MONDO:0013391, OMIM 613724.

Submission:

Women's Health and Genetics/Laboratory Corporation of America, LabCorp
Classification: Pathogenic for Sterol carrier protein 2 deficiency. Last evaluated: 2025-03-27. Review status: criteria provided, single submitter. Criteria: LabCorp Variant Classification Summary - May 2015. Collection method: clinical testing. Allele origin: germline.
Comment: Variant summary: SCP2 c.617delT (p.Leu206X) results in a premature termination codon, predicted to cause a truncation of the encoded protein or absence of the protein due to nonsense mediated decay, which are commonly known mechanisms for disease. The variant was absent in 251280 control chromosomes. To our knowledge, no occurrence of c.617delT in individuals affected with Sterol Carrier Protein 2 Deficiency and no experimental evidence demonstrating its impact on protein function have been reported. No submitters have cited clinical-significance assessments for this variant to ClinVar. Based on the evidence outlined above, the variant was classified as pathogenic.

NM_002979.5(SCP2):c.617del (p.Ser205_Leu206insTer)

Gene: SCP2 (sterol carrier protein 2; plus strand). Cytogenetic location: 1p32.3.
Variant type: Deletion.
Coding change: c.617del on transcript NM_002979.5 (MANE Select); coding-DNA position 617, one base deleted (T; older notation c.617delT).
Protein change: p.Ser205_Leu206insTer.
Molecular consequence: nonsense.
Genome position (GRCh38, 1-based): chr1:52,976,712, T deleted; the last of 3 consecutive T bases (chr1:52,976,710-52,976,712); deleting any one gives the same sequence. VCF-style (leftmost placement, unchanged base first): chr1-52976709-GT-G. GRCh37 (hg19) VCF-style: chr1-53442381-GT-G.
Other names: c.485del, p.Ser161_Leu162insTer (NM_001007098.3, NM_001193600.2); c.545del, p.Ser181_Leu182insTer (NM_001193599.2); c.374del, p.Ser124_Leu125insTer (NM_001193617.2); c.617del, p.Ser205_Leu206insTer (NM_001330587.2); c.617delT (NM_002979.5).
Identifiers: ClinVar variation 3895897 (VCV003895897.1).
Genomic context (GRCh38, chr1:52,976,709, plus strand): 5'-CACATTCTGTAACTAATATTTATTTTGTATTTAGGTATTCCCAGTTCCAAGATGAATACA[GT>G]TTAGATGAAGTGATGGCATCTAAAGAAGTTTTTGATTTTTTGACTATCTTACAATGTTGG-3'